The following is an entry in ClinVar:

ClinVar aggregate classification (germline): Benign. Review status: criteria provided, multiple submitters, no conflicts (2 of 4 stars). 3 submissions from 3 submitters: Benign (3). Last evaluated 2019-08-20.

Conditions:
Cystinuria (CSNU). Also called: CYSTINURIA, TYPE I; CYSTINURIA, TYPE II; CYSTINURIA, TYPE III; Cystinuria, non-type I. Identifiers: Orphanet 214, MedGen C0010691, MONDO:0009067, OMIM 220100, HP:0003131.

Allele frequency attached by ClinVar (database versions not stated): gnomAD exomes 0.09589; ExAC 0.10097; gnomAD 0.14578 and 0.14818; ESP Exome Variant Server 0.15301; TOPMed 0.15642; 1000 Genomes Project 0.16953; 1000 Genomes Project 30x 0.17192.
gnomAD v4.1: 125,934 of 1,545,648 alleles (8.1%); highest among the groups gnomAD compares: African/African-American, 35%; 8,868 homozygotes.

Submissions (3):

GeneDx
Classification: Benign. Last evaluated: 2019-08-20. Review status: criteria provided, single submitter. Criteria: GeneDx Variant Classification Process June 2021. Collection method: clinical testing. Allele origin: germline. Affected: yes.

Illumina Laboratory Services, Illumina
Classification: Benign for Cystinuria. Last evaluated: 2018-01-13. Review status: criteria provided, single submitter. Criteria: ICSL Variant Classification Criteria 13 December 2019. Collection method: clinical testing. Allele origin: germline.
Comment: This variant was observed in the ICSL laboratory as part of a predisposition screen in an ostensibly healthy population. It had not been previously curated by ICSL or reported in the Human Gene Mutation Database (HGMD: prior to June 1st, 2018), and was therefore a candidate for classification through an automated scoring system. Utilizing variant allele frequency, disease prevalence and penetrance estimates, and inheritance mode, an automated score was calculated to assess if this variant is too frequent to cause the disease. Based on the score and internal cut-off values, a variant classified as benign is not then subjected to further curation. The score for this variant resulted in a classification of benign for this disease.

Breakthrough Genomics
Classification: Benign. Review status: criteria provided, single submitter. Criteria: ACMG Guidelines, 2015. Collection method: not provided. Allele origin: germline. Inheritance: Autosomal dominant inheritance. Affected: yes.

NM_014270.5(SLC7A9):c.-39C>T

Gene: SLC7A9 (solute carrier family 7 member 9; minus strand). Cytogenetic location: 19q13.11.
Variant type: single nucleotide variant.
Coding change: c.-39C>T on transcript NM_014270.5 (MANE Select); 39 bases upstream of the start codon, C replaced by T.
Molecular consequence: 5 prime UTR variant. On other transcripts: intron variant (1).
Genome position (GRCh38, 1-based): chr19:32,868,573, G>A on the plus strand (C>T on the coding strand, the complement: SLC7A9 is on the minus strand). VCF-style: chr19-32868573-G-A. GRCh37 (hg19) VCF-style: chr19-33359479-G-A.
Other names: c.-39C>T (NM_001243036.2); c.-25-14C>T (NM_001126335.2).
Identifiers: ClinVar variation 328770 (VCV000328770.8), dbSNP rs11084677, ClinGen allele CA9358999.